The following is an entry in ClinVar:

ClinVar aggregate classification (germline): Likely pathogenic (1 of 4 stars; one submission).

Conditions:
Infantile-onset ascending hereditary spastic paralysis (IAHSP). Also called: Autosomal Recessive Juvenile Amyotrophic Lateral Sclerosis; Infantile-Onset Ascending Hereditary Spastic Paralysis (IAHSP). Identifiers: Orphanet 293168, MedGen C2931441, MONDO:0011797, OMIM 607225. Disease mechanism: loss of function.

Allele frequency attached by ClinVar (database versions not stated): gnomAD exomes 0.00001.
gnomAD v4.1: 20 of 1,613,780 alleles (0.0012%); highest among the groups gnomAD compares: Non-Finnish European, 0.0016%; no homozygotes.

Submission:

Labcorp Genetics (formerly Invitae), Labcorp
Classification: Likely pathogenic for Infantile-onset ascending hereditary spastic paralysis. Last evaluated: 2023-10-18. Review status: criteria provided, single submitter. Criteria: Invitae Variant Classification Sherloc (09022015). Collection method: clinical testing. Allele origin: germline.
Comment: This sequence change affects an acceptor splice site in intron 26 of the ALS2 gene. It is expected to disrupt RNA splicing. Variants that disrupt the donor or acceptor splice site typically lead to a loss of protein function (PMID: 16199547), and loss-of-function variants in ALS2 are known to be pathogenic (PMID: 11586298, 24315819). This variant is present in population databases (no rsID available, gnomAD 0.0009%). This variant has not been reported in the literature in individuals affected with ALS2-related conditions. Algorithms developed to predict the effect of sequence changes on RNA splicing suggest that this variant may disrupt the consensus splice site. In summary, the currently available evidence indicates that the variant is pathogenic, but additional data are needed to prove that conclusively. Therefore, this variant has been classified as Likely Pathogenic.

Literature cited by the submitters: PubMed 16199547; PubMed 11586298; PubMed 24315819.

NM_020919.4(ALS2):c.4123-2A>G

Gene: ALS2 (alsin Rho guanine nucleotide exchange factor ALS2; minus strand). Cytogenetic location: 2q33.1.
Variant type: single nucleotide variant.
Coding change: c.4123-2A>G on transcript NM_020919.4 (MANE Select); the canonical splice acceptor site of the intron before coding-DNA position 4123, A replaced by G.
Molecular consequence: splice acceptor variant.
Genome position (GRCh38, 1-based): chr2:201,710,040, T>C on the plus strand (A>G on the coding strand, the complement: ALS2 is on the minus strand). VCF-style: chr2-201710040-T-C. GRCh37 (hg19) VCF-style: chr2-202574763-T-C.
Other names: c.4120-2A>G (NM_001410975.1).
Identifiers: ClinVar variation 2975816 (VCV002975816.3), dbSNP rs1213175712, ClinGen allele CA350323653.